The following is an entry in ClinVar:

ClinVar aggregate classification (germline): Uncertain significance. Review status: criteria provided, multiple submitters, no conflicts (2 of 4 stars). 2 submissions from 2 submitters: Uncertain significance (2). Last evaluated 2026-08-24.

Conditions:
CLRN2-related disorder. Also called: CLRN2-related condition.

gnomAD v4.1: 54 of 1,613,938 alleles (0.0033%); highest among the groups gnomAD compares: African/African-American, 0.035%; no homozygotes.

Submissions (2):

PreventionGenetics, part of Exact Sciences
Classification: Uncertain significance for CLRN2-related condition. Last evaluated: 2026-08-24. Review status: criteria provided, single submitter. Criteria: ACMG Guidelines, 2015. Collection method: clinical testing. Allele origin: germline.
Comment: The CLRN2 c.145G>A variant is predicted to result in the amino acid substitution p.Ala49Thr. To our knowledge, this variant has not been reported in the literature. This variant is reported in 0.041% of alleles in individuals of African descent in gnomAD. At this time, the clinical significance of this variant is uncertain due to the absence of conclusive functional and genetic evidence.

Ambry Genetics
Classification: Uncertain significance. Last evaluated: 2024-08-05. Review status: criteria provided, single submitter. Criteria: Ambry Variant Classification Scheme 2023. Collection method: clinical testing. Allele origin: germline.

NM_001079827.2(CLRN2):c.145G>A (p.Ala49Thr)

Gene: CLRN2 (clarin 2; plus strand). Cytogenetic location: 4p15.32.
Variant type: single nucleotide variant.
Coding change: c.145G>A on transcript NM_001079827.2 (MANE Select); coding-DNA position 145, G replaced by A.
Protein change: p.Ala49Thr; replaces alanine 49 with threonine.
Molecular consequence: missense variant.
Genome position (GRCh38, 1-based): chr4:17,515,411, G>A. VCF-style: chr4-17515411-G-A. GRCh37 (hg19) VCF-style: chr4-17517034-G-A.
Other names: short protein forms A49T.
Identifiers: ClinVar variation 3493903 (VCV003493903.2).
Genomic context (GRCh38, chr4:17,515,411, plus strand): 5'-GTAGTGCCCCACTGGCTGAGTGGGAAAATCCTTTGTCAGACTGGAGTGGATCTGGTCAAC[G>A]CCACAGACAGAGAGCTGGTCAAGTTCATTGGGGACATTTACTACGGGCTCTTCCGAGGGT-3'
Protein context (NP_001073296.1, residues 39-59): LCQTGVDLVN[Ala49Thr]TDRELVKFIG